The following is an entry in ClinVar:

ClinVar aggregate classification (germline): Likely benign (0 of 4 stars; one submission).

Conditions:
PTPRD-related disorder. Also called: PTPRD-related condition.

Allele frequency attached by ClinVar (database versions not stated): gnomAD 0.00123; ESP Exome Variant Server 0.00138; TOPMed 0.00142; 1000 Genomes Project 0.00200; 1000 Genomes Project 30x 0.00250.
gnomAD v4.1: 349 of 1,611,614 alleles (0.022%); highest among the groups gnomAD compares: African/African-American, 0.43%; 4 homozygotes.

Submission:

PreventionGenetics, part of Exact Sciences
Classification: Likely benign for PTPRD-related condition. Last evaluated: 2020-01-27. Review status: no assertion criteria provided. Collection method: clinical testing. Allele origin: germline.
Comment: This variant is classified as likely benign based on ACMG/AMP sequence variant interpretation guidelines (Richards et al. 2015 PMID: 25741868, with internal and published modifications).

NM_002839.4(PTPRD):c.219G>A (p.Glu73=)

Gene: PTPRD (protein tyrosine phosphatase receptor type D; minus strand). Cytogenetic location: 9p24.1.
Variant type: single nucleotide variant.
Coding change: c.219G>A on transcript NM_002839.4 (MANE Select); coding-DNA position 219, G replaced by A.
Protein change: p.Glu73=; no amino-acid change (glutamic acid 73 retained).
Molecular consequence: synonymous variant.
Genome position (GRCh38, 1-based): chr9:8,633,450, C>T on the plus strand (G>A on the coding strand, the complement: PTPRD is on the minus strand). VCF-style: chr9-8633450-C-T. GRCh37 (hg19) VCF-style: chr9-8633450-C-T.
Other names: c.219G>A, p.Glu73= (NM_001040712.2, NM_001171025.2, NM_001377946.1 and 6 more transcripts).
Identifiers: ClinVar variation 3051347 (VCV003051347.2), dbSNP rs74945428, ClinGen allele CA4984981.
Genomic context (GRCh38, chr9:8,633,450, plus strand): 5'-CTCATCCCTCGGAGTCCGTAAGGGTTGTATTCTGAGAACTGATCCAGACCCATCGTCAAA[C>T]TCTATTACCTATTAGAGGAAACAATAGCTGTCACAGGTGTTGTTACAATTGTCTACCTCT-3'
Protein context (NP_002830.1, residues 63-83): KVSNQRFEVI[Glu73=]FDDGSGSVLR